The following is an entry in ClinVar:

ClinVar aggregate classification (germline): Likely benign. Review status: criteria provided, multiple submitters, no conflicts (2 of 4 stars). 3 submissions from 3 submitters: Likely benign (3). Last evaluated 2026-08-01.

Conditions:
Spastic ataxia 2. Also called: Ataxia, spastic, 2, autosomal recessive. Identifiers: Orphanet 397946, MedGen C1969796, MONDO:0012651, OMIM 611302.

Allele frequency attached by ClinVar (database versions not stated): ESP Exome Variant Server 0.00015; TOPMed 0.00025; gnomAD 0.00027 and 0.00030; gnomAD exomes 0.00048 and 0.00052; 1000 Genomes Project 30x 0.00062; ExAC 0.00073; 1000 Genomes Project 0.00080.
gnomAD v4.1: 745 of 1,611,876 alleles (0.046%); highest among the groups gnomAD compares: South Asian, 0.16%; 2 homozygotes.

Submissions (3):

CeGaT Center for Human Genetics Tuebingen
Classification: Likely benign. Last evaluated: 2026-08-01. Review status: criteria provided, single submitter. Criteria: CeGaT Center For Human Genetics Tuebingen Variant Classification Criteria Version 2. Collection method: clinical testing. Allele origin: germline. Affected: yes. Observed: 3 variant alleles.
Comment: KIF1C: BP4

Labcorp Genetics (formerly Invitae), Labcorp
Classification: Likely benign for Spastic ataxia 2. Last evaluated: 2026-02-03. Review status: criteria provided, single submitter. Criteria: Invitae Variant Classification Sherloc (09022015). Collection method: clinical testing. Allele origin: germline.

Blueprint Genetics
Classification: Likely benign. Last evaluated: 2024-11-26. Review status: criteria provided, single submitter. Criteria: ACMG Guidelines, 2015. Collection method: clinical testing. Allele origin: germline.

NM_006612.6(KIF1C):c.1571+6G>A

Gene: KIF1C (kinesin family member 1C; plus strand). Cytogenetic location: 17p13.2.
Variant type: single nucleotide variant.
Coding change: c.1571+6G>A on transcript NM_006612.6 (MANE Select); 6 bases into the intron after coding-DNA position 1571, G replaced by A.
Molecular consequence: intron variant.
Genome position (GRCh38, 1-based): chr17:5,013,738, G>A. VCF-style: chr17-5013738-G-A. GRCh37 (hg19) VCF-style: chr17-4917033-G-A.
Identifiers: ClinVar variation 704115 (VCV000704115.18), dbSNP rs200438845, ClinGen allele CA8319033.